The following is an entry in ClinVar:

NM_016219.5(MAN1B1):c.677C>G (p.Ala226Gly)

Gene: MAN1B1 (mannosidase alpha class 1B member 1; plus strand). Cytogenetic location: 9q34.3.
Variant type: single nucleotide variant.
Coding change: c.677C>G on transcript NM_016219.5 (MANE Select); coding-DNA position 677, C replaced by G.
Protein change: p.Ala226Gly; replaces alanine 226 with glycine.
Molecular consequence: missense variant. On other transcripts: non-coding transcript variant (2).
Genome position (GRCh38, 1-based): chr9:137,097,884, C>G. VCF-style: chr9-137097884-C-G. GRCh37 (hg19) VCF-style: chr9-139992336-C-G.
Other names: short protein forms A226G.
Identifiers: ClinVar variation 849368 (VCV000849368.13), dbSNP rs145554887, ClinGen allele CA375645270.

ClinVar aggregate classification (germline): Uncertain significance (1 of 4 stars; one submission).

Conditions:
Rafiq syndrome (RAFQS). Identifiers: Orphanet 88616, MedGen C3280127, MONDO:0013624, OMIM 614202.

Allele frequency attached by ClinVar (database versions not stated): TOPMed 0.00001.
gnomAD v4.1: 3 of 1,560,802 alleles (0.00019%); highest among the groups gnomAD compares: East Asian, 0.0072%; no homozygotes.

Submission:

Labcorp Genetics (formerly Invitae), Labcorp
Classification: Uncertain significance for Rafiq syndrome. Last evaluated: 2022-11-03. Review status: criteria provided, single submitter. Criteria: Invitae Variant Classification Sherloc (09022015). Collection method: clinical testing. Allele origin: germline.
Comment: In summary, the available evidence is currently insufficient to determine the role of this variant in disease. Therefore, it has been classified as a Variant of Uncertain Significance. Algorithms developed to predict the effect of missense changes on protein structure and function (SIFT, PolyPhen-2, Align-GVGD) all suggest that this variant is likely to be tolerated. ClinVar contains an entry for this variant (Variation ID: 849368). This variant has not been reported in the literature in individuals affected with MAN1B1-related conditions. This variant is present in population databases (no rsID available, gnomAD 0.04%). This sequence change replaces alanine, which is neutral and non-polar, with glycine, which is neutral and non-polar, at codon 226 of the MAN1B1 protein (p.Ala226Gly).